The following is an entry in ClinVar:

ClinVar aggregate classification (germline): Uncertain significance (1 of 4 stars; one submission).

Conditions:
Primary ciliary dyskinesia. Also called: Ciliary dyskinesia. Identifiers: Orphanet 244, MedGen C0008780, MONDO:0016575, HP:0012265.

Allele frequency attached by ClinVar (database versions not stated): TOPMed below 0.00001; ExAC 0.00001.
gnomAD v4.1: 20 of 1,584,458 alleles (0.0013%); highest among the groups gnomAD compares: South Asian, 0.0035%; no homozygotes.

Submission:

Labcorp Genetics (formerly Invitae), Labcorp
Classification: Uncertain significance for Primary ciliary dyskinesia. Last evaluated: 2024-01-29. Review status: criteria provided, single submitter. Criteria: Invitae Variant Classification Sherloc (09022015). Collection method: clinical testing. Allele origin: germline.
Comment: This sequence change falls in intron 31 of the DNAH11 gene. It does not directly change the encoded amino acid sequence of the DNAH11 protein. This variant is present in population databases (rs759954017, gnomAD 0.004%). This variant has not been reported in the literature in individuals affected with DNAH11-related conditions. Algorithms developed to predict the effect of sequence changes on RNA splicing suggest that this variant may disrupt the consensus splice site. In summary, the available evidence is currently insufficient to determine the role of this variant in disease. Therefore, it has been classified as a Variant of Uncertain Significance.

NM_001277115.2(DNAH11):c.5461-10A>G

Gene: DNAH11 (dynein axonemal heavy chain 11; plus strand). Cytogenetic location: 7p15.3.
Variant type: single nucleotide variant.
Coding change: c.5461-10A>G on transcript NM_001277115.2 (MANE Select); 10 bases into the intron before coding-DNA position 5461, A replaced by G.
Molecular consequence: intron variant.
Genome position (GRCh38, 1-based): chr7:21,683,774, A>G. VCF-style: chr7-21683774-A-G. GRCh37 (hg19) VCF-style: chr7-21723392-A-G.
Identifiers: ClinVar variation 2973780 (VCV002973780.3), dbSNP rs759954017, ClinGen allele CA4180449.
Genomic context (GRCh38, chr7:21,683,774, plus strand): 5'-TGATTAGATTAATAACTTGTTGCCCCAAACTACCAGTGTCCTGCGTATGATGATTATGCA[A>G]TGCCTTTAGGTTGTCAGTCCCCAAGCTTTTACATGGCTGTCTCAACTTCGTCACCGATGG-3'